The following is an entry in ClinVar:

NM_000368.5(TSC1):c.3318G>A (p.Glu1106=)

Gene: TSC1 (TSC complex subunit 1; minus strand). Cytogenetic location: 9q34.13.
Variant type: single nucleotide variant.
Coding change: c.3318G>A on transcript NM_000368.5 (MANE Select); coding-DNA position 3318, G replaced by A.
Protein change: p.Glu1106=; no amino-acid change (glutamic acid 1106 retained).
Molecular consequence: synonymous variant.
Genome position (GRCh38, 1-based): chr9:132,896,412, C>T on the plus strand (G>A on the coding strand, the complement: TSC1 is on the minus strand). VCF-style: chr9-132896412-C-T. GRCh37 (hg19) VCF-style: chr9-135771799-C-T.
Other names: c.3315G>A, p.Glu1105= (NM_001162426.2); c.3165G>A, p.Glu1055= (NM_001162427.2); c.2955G>A, p.Glu985= (NM_001362177.2).
Identifiers: ClinVar variation 1077691 (VCV001077691.10), dbSNP rs2131594665, ClinGen allele CA467813197.
Genomic context (GRCh38, chr9:132,896,412, plus strand): 5'-ACCCAAGTCTTTGCCCAGTTCTGTCTTTAGGCTCTCAGAAAGGCTACTGGTCATGCCGTC[C>T]TCATCACACTGGCTCTCGCTCTTATTACGAAATAACTCTCGAGCCTTCATACCCAGGAAG-3'
Protein context (NP_000359.1, residues 1096-1116): FRNKSESQCD[Glu1106=]DGMTSSLSES

ClinVar aggregate classification (germline): Likely benign. Review status: criteria provided, multiple submitters, no conflicts (2 of 4 stars). 2 submissions from 2 submitters: Likely benign (2). Last evaluated 2024-04-16.

Conditions:
Tuberous sclerosis syndrome (TSC). Also called: Tuberous Sclerosis Complex; Tuberous sclerosis. Identifiers: Orphanet 805, MedGen C0041341, MONDO:0001734.
Tuberous sclerosis 1 (TSC1). Identifiers: Orphanet 805, MedGen C1854465, MONDO:0008612, OMIM 191100.

Submissions (2):

All of Us Research Program, National Institutes of Health
Classification: Likely benign for Tuberous sclerosis syndrome. Last evaluated: 2024-04-16. Review status: criteria provided, single submitter. Criteria: ACMG Guidelines, 2015. Collection method: clinical testing. Allele origin: germline. Inheritance: Autosomal dominant inheritance. Observed: 1 variant allele, 1 heterozygote.
Comment: This study involves interpretation of variants in research participants for the purpose of population health screening. Participant phenotype was not available at the time of variant classification. Additional details can be found in publication PMID: 35346344, PMCID: PMC8962531

Labcorp Genetics (formerly Invitae), Labcorp
Classification: Likely benign for Tuberous sclerosis 1. Last evaluated: 2020-08-14. Review status: criteria provided, single submitter. Criteria: Invitae Variant Classification Sherloc (09022015). Collection method: clinical testing. Allele origin: germline.